The following is an entry in ClinVar:

NM_001457.4(FLNB):c.7505A>G (p.Tyr2502Cys)

Genes: FLNB (filamin B; plus strand), FLNB-AS1 (FLNB antisense RNA 1; minus strand). Cytogenetic location: 3p14.3.
Variant type: single nucleotide variant.
Coding change: c.7505A>G on transcript NM_001457.4 (MANE Select); coding-DNA position 7505, A replaced by G.
Protein change: p.Tyr2502Cys; replaces tyrosine 2502 with cysteine.
Molecular consequence: missense variant.
Genome position (GRCh38, 1-based): chr3:58,169,677, A>G. VCF-style: chr3-58169677-A-G. GRCh37 (hg19) VCF-style: chr3-58155404-A-G.
Other names: c.7598A>G, p.Tyr2533Cys (NM_001164317.2); c.7472A>G, p.Tyr2491Cys (NM_001164318.2); c.7433A>G, p.Tyr2478Cys (NM_001164319.2); short protein forms Y2502C, Y2533C, Y2478C, Y2491C.
Identifiers: ClinVar variation 1984935 (VCV001984935.4), dbSNP rs1207614757, ClinGen allele CA353335371.

ClinVar aggregate classification (germline): Uncertain significance (1 of 4 stars; one submission).

Allele frequency attached by ClinVar (database versions not stated): gnomAD exomes 0.00001.
gnomAD v4.1: 3 of 1,614,034 alleles (0.00019%); highest among the groups gnomAD compares: Non-Finnish European, 0.00017%; no homozygotes.

Submission:

Labcorp Genetics (formerly Invitae), Labcorp
Classification: Uncertain significance. Last evaluated: 2025-08-19. Review status: criteria provided, single submitter. Criteria: Invitae Variant Classification Sherloc (09022015). Collection method: clinical testing. Allele origin: germline.
Comment: This sequence change replaces tyrosine, which is neutral and polar, with cysteine, which is neutral and slightly polar, at codon 2502 of the FLNB protein (p.Tyr2502Cys). This variant is present in population databases (no rsID available, gnomAD 0.0009%). This variant has not been reported in the literature in individuals affected with FLNB-related conditions. ClinVar contains an entry for this variant (Variation ID: 1984935). Invitae Evidence Modeling of protein sequence and biophysical properties (such as structural, functional, and spatial information, amino acid conservation, physicochemical variation, residue mobility, and thermodynamic stability) indicates that this missense variant is not expected to disrupt FLNB protein function with a negative predictive value of 95%. In summary, the available evidence is currently insufficient to determine the role of this variant in disease. Therefore, it has been classified as a Variant of Uncertain Significance.